The following is an entry in ClinVar:

NM_001282225.2(ADA2):c.32C>T (p.Ala11Val)

Gene: ADA2 (adenosine deaminase 2; minus strand). Cytogenetic location: 22q11.1.
Variant type: single nucleotide variant.
Coding change: c.32C>T on transcript NM_001282225.2 (MANE Select); coding-DNA position 32, C replaced by T.
Protein change: p.Ala11Val; replaces alanine 11 with valine.
Molecular consequence: missense variant. On other transcripts: intron variant (3).
Genome position (GRCh38, 1-based): chr22:17,209,646, G>A on the plus strand (C>T on the coding strand, the complement: ADA2 is on the minus strand). VCF-style: chr22-17209646-G-A. GRCh37 (hg19) VCF-style: chr22-17690536-G-A.
Other names: c.32C>T, p.Ala11Val (NM_001282226.2); c.-47-48C>T (NM_001282227.2, NM_001282228.2); c.-38-2356C>T (NM_001282229.2); short protein forms A11V.
Identifiers: ClinVar variation 962792 (VCV000962792.4), dbSNP rs147655483, ClinGen allele CA10088354.

ClinVar aggregate classification (germline): Uncertain significance. Review status: criteria provided, multiple submitters, no conflicts (2 of 4 stars). 2 submissions from 2 submitters: Uncertain significance (2). Last evaluated 2024-01-17.

Conditions:
Deficiency of adenosine deaminase 2. Also called: Polyarteritis nodosa, childhoood-onset; Adenosine Deaminase 2 Deficiency; VASCULITIS, AUTOINFLAMMATION, IMMUNODEFICIENCY, AND HEMATOLOGIC DEFECTS SYNDROME. Identifiers: Orphanet 404553, MedGen C3887654, MONDO:0014306, OMIM 615688, MONDO:0100317.
Sneddon syndrome (SNDNS). Also called: Idiopathic livedo reticularis with systemic involvement; LIVEDO RETICULARIS AND CEREBROVASCULAR ACCIDENTS. Identifiers: Orphanet 820, MedGen C0282492, MONDO:0008436, OMIM 182410.

Allele frequency attached by ClinVar (database versions not stated): ESP Exome Variant Server 0.00008; gnomAD exomes 0.00001 and 0.00002; ExAC 0.00003; gnomAD 0.00003 and 0.00004; TOPMed 0.00005.

Submissions (2):

Labcorp Genetics (formerly Invitae), Labcorp
Classification: Uncertain significance for Deficiency of adenosine deaminase 2. Last evaluated: 2024-01-17. Review status: criteria provided, single submitter. Criteria: Invitae Variant Classification Sherloc (09022015). Collection method: clinical testing. Allele origin: germline.
Comment: This sequence change replaces alanine, which is neutral and non-polar, with valine, which is neutral and non-polar, at codon 11 of the ADA2 protein (p.Ala11Val). This variant is present in population databases (rs147655483, gnomAD 0.01%). This variant has not been reported in the literature in individuals affected with ADA2-related conditions. ClinVar contains an entry for this variant (Variation ID: 962792). Advanced modeling of protein sequence and biophysical properties (such as structural, functional, and spatial information, amino acid conservation, physicochemical variation, residue mobility, and thermodynamic stability) performed at Invitae indicates that this missense variant is not expected to disrupt ADA2 protein function with a negative predictive value of 80%. In summary, the available evidence is currently insufficient to determine the role of this variant in disease. Therefore, it has been classified as a Variant of Uncertain Significance.

Fulgent Genetics
Classification: Uncertain significance for Sneddon syndrome; Deficiency of adenosine deaminase 2. Last evaluated: 2021-07-21. Review status: criteria provided, single submitter. Criteria: ACMG Guidelines, 2015. Collection method: clinical testing. Allele origin: unknown.